The following is an entry in ClinVar:

NM_001378457.1(DMXL2):c.2866C>A (p.Pro956Thr)

Gene: DMXL2 (Dmx like 2; minus strand). Cytogenetic location: 15q21.2.
Variant type: single nucleotide variant.
Coding change: c.2866C>A on transcript NM_001378457.1 (MANE Select); coding-DNA position 2866, C replaced by A.
Protein change: p.Pro956Thr; replaces proline 956 with threonine.
Molecular consequence: missense variant. On other transcripts: non-coding transcript variant (2), intron variant (2).
Genome position (GRCh38, 1-based): chr15:51,502,932, G>T on the plus strand (C>A on the coding strand, the complement: DMXL2 is on the minus strand). VCF-style: chr15-51502932-G-T. GRCh37 (hg19) VCF-style: chr15-51795129-G-T.
Other names: c.2866C>A, p.Pro956Thr (NM_001174116.3, NM_001378458.1, NM_001378459.1 and 4 more transcripts); c.2626C>A, p.Pro876Thr (NM_001378464.1); c.2764+4202C>A (NM_001378460.1, NM_001174117.3); short protein forms P956T, P876T.
Identifiers: ClinVar variation 719530 (VCV000719530.13), dbSNP rs74013274, ClinGen allele CA7562233.

ClinVar aggregate classification (germline): Benign. Review status: criteria provided, multiple submitters, no conflicts (2 of 4 stars). 3 submissions from 3 submitters: Benign (2). 1 of the submissions does not count toward it. Last evaluated 2026-02-03.

Conditions:
DMXL2-related disorder. Also called: DMXL2-related condition.

Allele frequency attached by ClinVar (database versions not stated): gnomAD exomes 0.00062 and 0.00168; ExAC 0.00213; gnomAD 0.00643 and 0.00687; 1000 Genomes Project 0.00699; TOPMed 0.00716; 1000 Genomes Project 30x 0.00718; ESP Exome Variant Server 0.00771.
gnomAD v4.1: 1,970 of 1,614,048 alleles (0.12%); highest among the groups gnomAD compares: African/African-American, 2.3%; 26 homozygotes.

Submissions (3):

Labcorp Genetics (formerly Invitae), Labcorp
Classification: Benign. Last evaluated: 2026-02-03. Review status: criteria provided, single submitter. Criteria: Invitae Variant Classification Sherloc (09022015). Collection method: clinical testing. Allele origin: germline.

ARUP Laboratories, Molecular Genetics and Genomics, ARUP Laboratories
Classification: Benign. Last evaluated: 2025-04-08. Review status: criteria provided, single submitter. Criteria: ARUP Molecular Germline Variant Investigation Process 2024. Collection method: clinical testing. Allele origin: germline.

PreventionGenetics, part of Exact Sciences
Classification: Benign for DMXL2-related condition. Last evaluated: 2019-04-17. Review status: no assertion criteria provided. Collection method: clinical testing. Allele origin: germline. Not counted in ClinVar's aggregate classification.
Comment: This variant is classified as benign based on ACMG/AMP sequence variant interpretation guidelines (Richards et al. 2015 PMID: 25741868, with internal and published modifications).